The following is an entry in ClinVar:

NM_001048174.2(MUTYH):c.1136T>C (p.Val379Ala)

Gene: MUTYH (mutY DNA glycosylase; minus strand). Cytogenetic location: 1p34.1.
Variant type: single nucleotide variant.
Coding change: c.1136T>C on transcript NM_001048174.2 (MANE Select); coding-DNA position 1136, T replaced by C.
Protein change: p.Val379Ala; replaces valine 379 with alanine.
Molecular consequence: missense variant. On other transcripts: non-coding transcript variant (2).
Genome position (GRCh38, 1-based): chr1:45,331,523, A>G on the plus strand (T>C on the coding strand, the complement: MUTYH is on the minus strand). VCF-style: chr1-45331523-A-G. GRCh37 (hg19) VCF-style: chr1-45797195-A-G.
Other names: c.1136T>C, p.Val379Ala (NM_001048171.2, NM_001048173.2, NM_001293195.2); c.1139T>C, p.Val380Ala (NM_001048172.2); c.1220T>C, p.Val407Ala (NM_001128425.2); c.1181T>C, p.Val394Ala (NM_001293190.2); c.1169T>C, p.Val390Ala (NM_001293191.2); c.860T>C, p.Val287Ala (NM_001293192.2, NM_001293196.2); c.791T>C, p.Val264Ala (NM_001350650.2, NM_001350651.2); c.1211T>C, p.Val404Ala (NM_012222.3); short protein forms V264A, V287A, V379A, V380A, V390A, V394A, V404A, V407A.
Identifiers: ClinVar variation 1000980 (VCV001000980.16), dbSNP rs1644853541, ClinGen allele CA340133071.

ClinVar aggregate classification (germline): Conflicting classifications of pathogenicity. Review status: criteria provided, conflicting classifications (1 of 4 stars). 4 submissions from 4 submitters: Uncertain significance (3); Likely benign (1). Last evaluated 2025-09-09.

Conditions:
Hereditary cancer-predisposing syndrome. Also called: Neoplastic Syndromes, Hereditary; Hereditary Cancer Syndrome; Hereditary neoplastic syndrome; Tumor predisposition. Identifiers: Orphanet 140162, MedGen C0027672, MeSH D009386, MONDO:0015356.
Familial adenomatous polyposis 2. Also called: COLORECTAL ADENOMATOUS POLYPOSIS, AUTOSOMAL RECESSIVE; ADENOMAS, MULTIPLE COLORECTAL, AUTOSOMAL RECESSIVE; Adenomas, multiple colorectal; FAP type 2; MUTYH Polyposis; MUTYH-associated polyposis. Identifiers: Orphanet 220460, Orphanet 247798, MedGen C3272841, MONDO:0012041, OMIM 608456.

Allele frequency attached by ClinVar (database versions not stated): gnomAD exomes below 0.00001.
gnomAD v4.1: 1 of 1,614,090 alleles (0.000062%); highest among the groups gnomAD compares: Non-Finnish European, 0.000085%; no homozygotes.

Submissions (4):

Ambry Genetics
Classification: Likely benign for Hereditary cancer-predisposing syndrome. Last evaluated: 2025-09-09. Review status: criteria provided, single submitter. Criteria: Ambry Variant Classification Scheme 2023. Collection method: clinical testing. Allele origin: germline.

Color Diagnostics, LLC DBA Color Health
Classification: Uncertain significance for Hereditary cancer-predisposing syndrome. Last evaluated: 2024-03-06. Review status: criteria provided, single submitter. Criteria: ACMG Guidelines, 2015. Collection method: clinical testing. Allele origin: germline.
Comment: This missense variant replaces valine with alanine at codon 407 of the MUTYH protein. Computational prediction suggests that this variant may not impact protein structure and function (internally defined REVEL score threshold <= 0.5, PMID: 27666373). To our knowledge, functional studies have not been reported for this variant. This variant has not been reported in individuals affected with MUTYH-related disorders in the literature. This variant has not been identified in the general population by the Genome Aggregation Database (gnomAD). The available evidence is insufficient to determine the role of this variant in disease conclusively. Therefore, this variant is classified as a Variant of Uncertain Significance.

All of Us Research Program, National Institutes of Health
Classification: Uncertain significance for Familial adenomatous polyposis 2. Last evaluated: 2023-05-04. Review status: criteria provided, single submitter. Criteria: ACMG Guidelines, 2015. Collection method: clinical testing. Allele origin: germline. Inheritance: Autosomal recessive inheritance. Observed: 1 variant allele, 1 heterozygote.
Comment: This missense variant replaces valine with alanine at codon 407 of the MUTYH protein. Computational prediction suggests that this variant may not impact protein structure and function (internally defined REVEL score threshold <= 0.5, PMID: 27666373). To our knowledge, functional studies have not been reported for this variant. This variant has not been reported in individuals affected with MUTYH-related disorders in the literature. This variant has not been identified in the general population by the Genome Aggregation Database (gnomAD). The available evidence is insufficient to determine the role of this variant in disease conclusively. Therefore, this variant is classified as a Variant of Uncertain Significance.

This study involves interpretation of variants in research participants for the purpose of population health screening. Participant phenotype was not available at the time of variant classification. Additional details can be found in publication PMID: 35346344, PMCID: PMC8962531

Labcorp Genetics (formerly Invitae), Labcorp
Classification: Uncertain significance for Familial adenomatous polyposis 2. Last evaluated: 2020-08-03. Review status: criteria provided, single submitter. Criteria: Invitae Variant Classification Sherloc (09022015). Collection method: clinical testing. Allele origin: germline.
Comment: In summary, the available evidence is currently insufficient to determine the role of this variant in disease. Therefore, it has been classified as a Variant of Uncertain Significance. Algorithms developed to predict the effect of missense changes on protein structure and function (SIFT, PolyPhen-2, Align-GVGD) all suggest that this variant is likely to be disruptive, but these predictions have not been confirmed by published functional studies and their clinical significance is uncertain. This variant has not been reported in the literature in individuals with MUTYH-related conditions. This variant is not present in population databases (ExAC no frequency). This sequence change replaces valine with alanine at codon 407 of the MUTYH protein (p.Val407Ala). The valine residue is highly conserved and there is a small physicochemical difference between valine and alanine.